The following is an entry in ClinVar:

NM_000718.4(CACNA1B):c.1975-73A>G

Gene: CACNA1B (calcium voltage-gated channel subunit alpha1 B; plus strand). Cytogenetic location: 9q34.3.
Variant type: single nucleotide variant.
Coding change: c.1975-73A>G on transcript NM_000718.4 (MANE Select); 73 bases into the intron before coding-DNA position 1975, A replaced by G.
Molecular consequence: intron variant.
Genome position (GRCh38, 1-based): chr9:138,006,694, A>G. VCF-style: chr9-138006694-A-G. GRCh37 (hg19) VCF-style: chr9-140901146-A-G.
Other names: c.1975-73A>G (NM_001243812.2).
Identifiers: ClinVar variation 1244087 (VCV001244087.5), dbSNP rs2290580, ClinGen allele CA13103408.

ClinVar aggregate classification (germline): Benign. Review status: criteria provided, multiple submitters, no conflicts (2 of 4 stars). 3 submissions from 3 submitters: Benign (3). Last evaluated 2024-07-31.

Allele frequency attached by ClinVar (database versions not stated): gnomAD exomes 0.21044; gnomAD 0.32194 and 0.32312; TOPMed 0.33750; 1000 Genomes Project 0.42931; 1000 Genomes Project 30x 0.42958.
gnomAD v4.1: 186,518 of 802,942 alleles (23%); highest among the groups gnomAD compares: African/African-American, 67%; 33,216 homozygotes.

Submissions (3):

Unidad de Genómica Garrahan, Hospital de Pediatría Garrahan
Classification: Benign. Last evaluated: 2024-07-31. Review status: criteria provided, single submitter. Criteria: ACMG Guidelines, 2015. Collection method: clinical testing. Allele origin: germline. Affected: no. Observed: 22 variant alleles.
Comment: This variant is classified as Benign based on local population frequency. This variant was detected in 24% of patients studied in a panel designed for Epileptic and Developmental Encephalopathy, Progressive Myoclonus Epilepsy and Abnormal Movements and Neurodegeneration with brain iron accumulation. Number of patients: 22. Only high quality variants are reported.

GeneDx
Classification: Benign. Last evaluated: 2021-03-28. Review status: criteria provided, single submitter. Criteria: GeneDx Variant Classification Process June 2021. Collection method: clinical testing. Allele origin: germline. Affected: yes.

Breakthrough Genomics
Classification: Benign. Review status: criteria provided, single submitter. Criteria: ACMG Guidelines, 2015. Collection method: not provided. Allele origin: germline. Inheritance: Autosomal recessive inheritance. Affected: yes.